The following is an entry in ClinVar:

ClinVar aggregate classification (germline): Uncertain significance. Review status: criteria provided, multiple submitters, no conflicts (2 of 4 stars). 2 submissions from 2 submitters: Uncertain significance (2). Last evaluated 2025-12-15.

Conditions:
Inborn genetic diseases. Identifiers: MedGen C0950123, MeSH D030342.

Allele frequency attached by ClinVar (database versions not stated): gnomAD exomes 0.00003 and 0.00005; TOPMed 0.00003; gnomAD 0.00004; ExAC 0.00005; 1000 Genomes Project 0.00020; 1000 Genomes Project 30x 0.00031.
gnomAD v4.1: 82 of 1,587,926 alleles (0.0052%); highest among the groups gnomAD compares: Non-Finnish European, 0.0066%; no homozygotes.

Submissions (2):

Labcorp Genetics (formerly Invitae), Labcorp
Classification: Uncertain significance. Last evaluated: 2025-12-15. Review status: criteria provided, single submitter. Criteria: Invitae Variant Classification Sherloc (09022015). Collection method: clinical testing. Allele origin: germline.
Comment: This sequence change replaces cysteine, which is neutral and slightly polar, with tyrosine, which is neutral and polar, at codon 218 of the DNA2 protein (p.Cys218Tyr). This variant is present in population databases (rs571505621, gnomAD 0.006%). This variant has not been reported in the literature in individuals affected with DNA2-related conditions. ClinVar contains an entry for this variant (Variation ID: 1463250). Invitae Evidence Modeling of protein sequence and biophysical properties (such as structural, functional, and spatial information, amino acid conservation, physicochemical variation, residue mobility, and thermodynamic stability) indicates that this missense variant is not expected to disrupt DNA2 protein function with a negative predictive value of 80%. In summary, the available evidence is currently insufficient to determine the role of this variant in disease. Therefore, it has been classified as a Variant of Uncertain Significance.

Ambry Genetics
Classification: Uncertain significance for Inborn genetic diseases. Last evaluated: 2025-12-09. Review status: criteria provided, single submitter. Criteria: Ambry Variant Classification Scheme 2023. Collection method: clinical testing. Allele origin: germline.

NM_001080449.3(DNA2):c.653G>A (p.Cys218Tyr)

Gene: DNA2 (DNA replication helicase/nuclease 2; minus strand). Cytogenetic location: 10q21.3.
Variant type: single nucleotide variant.
Coding change: c.653G>A on transcript NM_001080449.3 (MANE Select); coding-DNA position 653, G replaced by A.
Protein change: p.Cys218Tyr; replaces cysteine 218 with tyrosine.
Molecular consequence: missense variant. On other transcripts: non-coding transcript variant (1).
Genome position (GRCh38, 1-based): chr10:68,459,170, C>T on the plus strand (G>A on the coding strand, the complement: DNA2 is on the minus strand). VCF-style: chr10-68459170-C-T. GRCh37 (hg19) VCF-style: chr10-70218927-C-T.
Other names: c.653G>A (NM_001080449.2); short protein forms C218Y.
Identifiers: ClinVar variation 1463250 (VCV001463250.7), dbSNP rs571505621, ClinGen allele CA5525248.